The following is an entry in ClinVar:

NM_058216.3(RAD51C):c.659T>C (p.Leu220Pro)

Genes: RAD51C (RAD51 paralog C; plus strand), LOC129390903 (MPRA-validated peak2919 silencer; plus strand). Cytogenetic location: 17q22.
Variant type: single nucleotide variant.
Coding change: c.659T>C on transcript NM_058216.3 (MANE Select); coding-DNA position 659, T replaced by C.
Protein change: p.Leu220Pro; replaces leucine 220 with proline.
Molecular consequence: missense variant. On other transcripts: non-coding transcript variant (1).
Genome position (GRCh38, 1-based): chr17:58,703,283, T>C. VCF-style: chr17-58703283-T-C. GRCh37 (hg19) VCF-style: chr17-56780644-T-C.
Other names: c.*87T>C (NM_058217.1); short protein forms L220P.
Identifiers: ClinVar variation 2738799 (VCV002738799.5), dbSNP rs2509299970, ClinGen allele CA400349774.

ClinVar aggregate classification (germline): Uncertain significance. Review status: criteria provided, multiple submitters, no conflicts (2 of 4 stars). 3 submissions from 3 submitters: Uncertain significance (3). Last evaluated 2026-08-10.

Conditions:
Fanconi anemia complementation group O. Also called: RAD51C-Related Fanconi Anemia. Identifiers: Orphanet 84, MedGen C3150653, MONDO:0013248, OMIM 613390.
Hereditary cancer-predisposing syndrome. Also called: Hereditary Cancer Syndrome; Hereditary neoplastic syndrome; Neoplastic Syndromes, Hereditary; Tumor predisposition. Identifiers: Orphanet 140162, MedGen C0027672, MeSH D009386, MONDO:0015356.

Submissions (3):

Ambry Genetics
Classification: Uncertain significance for Hereditary cancer-predisposing syndrome. Last evaluated: 2026-08-10. Review status: criteria provided, single submitter. Criteria: Ambry Variant Classification Scheme 2023. Collection method: clinical testing. Allele origin: germline.
Comment: The p.L220P variant (also known as c.659T>C), located in coding exon 4 of the RAD51C gene, results from a T to C substitution at nucleotide position 659. The leucine at codon 220 is replaced by proline, an amino acid with similar properties. This amino acid position is highly conserved in available vertebrate species. In addition, this alteration is predicted to be deleterious by in silico analysis. Based on the available evidence, the clinical significance of this variant remains unclear.

Labcorp Genetics (formerly Invitae), Labcorp
Classification: Uncertain significance for Fanconi anemia complementation group O. Last evaluated: 2025-11-23. Review status: criteria provided, single submitter. Criteria: Invitae Variant Classification Sherloc (09022015). Collection method: clinical testing. Allele origin: germline.
Comment: This sequence change replaces leucine, which is neutral and non-polar, with proline, which is neutral and non-polar, at codon 220 of the RAD51C protein (p.Leu220Pro). This variant is not present in population databases (gnomAD no frequency). This variant has not been reported in the literature in individuals affected with RAD51C-related conditions. ClinVar contains an entry for this variant (Variation ID: 2738799). Invitae Evidence Modeling of protein sequence and biophysical properties (such as structural, functional, and spatial information, amino acid conservation, physicochemical variation, residue mobility, and thermodynamic stability) indicates that this missense variant is expected to disrupt RAD51C protein function with a positive predictive value of 80%. In summary, the available evidence is currently insufficient to determine the role of this variant in disease. Therefore, it has been classified as a Variant of Uncertain Significance.

GeneDx
Classification: Uncertain significance. Last evaluated: 2023-10-03. Review status: criteria provided, single submitter. Criteria: GeneDx Variant Classification Process June 2021. Collection method: clinical testing. Allele origin: germline. Affected: yes.
Comment: Not observed at significant frequency in large population cohorts (gnomAD); In silico analysis supports that this missense variant has a deleterious effect on protein structure/function; Has not been previously published as pathogenic or benign to our knowledge; This variant is associated with the following publications: (PMID: 14704354)